The following is an entry in ClinVar:

ClinVar aggregate classification (germline): Conflicting classifications of pathogenicity. Review status: criteria provided, conflicting classifications (1 of 4 stars). 6 submissions from 6 submitters: Uncertain significance (1); Benign (1); Likely benign (3). 1 of the submissions does not count toward it. Last evaluated 2026-01-15.

Conditions:
Hypogonadotropic hypogonadism 11 with or without anosmia (HH11). Also called: TACR3-Related GnRH Deficiency; HYPOGONADOTROPIC HYPOGONADISM 11 WITHOUT ANOSMIA. Identifiers: Orphanet 478, MedGen C3553844, MONDO:0013913, OMIM 614840.
TACR3-related disorder. Also called: TACR3-related condition.

Allele frequency attached by ClinVar (database versions not stated): 1000 Genomes Project 30x 0.00031; 1000 Genomes Project 0.00040; TOPMed 0.00055; ESP Exome Variant Server 0.00085; ExAC 0.00133; gnomAD exomes 0.00145; gnomAD 0.00146 and 0.00151.
gnomAD v4.1: 1,901 of 1,613,920 alleles (0.12%); highest among the groups gnomAD compares: Non-Finnish European, 0.1%; 4 homozygotes.

Submissions (6):

Labcorp Genetics (formerly Invitae), Labcorp
Classification: Likely benign. Last evaluated: 2026-01-15. Review status: criteria provided, single submitter. Criteria: Invitae Variant Classification Sherloc (09022015). Collection method: clinical testing. Allele origin: germline.

GeneDx
Classification: Likely benign. Last evaluated: 2024-10-21. Review status: criteria provided, single submitter. Criteria: GeneDx Variant Classification Process June 2021. Collection method: clinical testing. Allele origin: germline. Affected: yes.
Comment: See Variant Classification Assertion Criteria.

CeGaT Center for Human Genetics Tuebingen
Classification: Benign. Last evaluated: 2022-04-01. Review status: criteria provided, single submitter. Criteria: CeGaT Center For Human Genetics Tuebingen Variant Classification Criteria Version 2. Collection method: clinical testing. Allele origin: germline. Affected: yes. Observed: 1 variant allele.
Comment: TACR3: BP4, BS1, BS2

Genetic Services Laboratory, University of Chicago
Classification: Likely benign. Last evaluated: 2018-07-10. Review status: criteria provided, single submitter. Criteria: ACMG Guidelines, 2015. Collection method: clinical testing. Allele origin: germline. Affected: no.

Illumina Laboratory Services, Illumina
Classification: Uncertain significance for Hypogonadotropic hypogonadism 11 with or without anosmia. Last evaluated: 2018-01-13. Review status: criteria provided, single submitter. Criteria: ICSL Variant Classification Criteria 13 December 2019. Collection method: clinical testing. Allele origin: germline.

PreventionGenetics, part of Exact Sciences
Classification: Likely benign for TACR3-related condition. Last evaluated: 2020-01-17. Review status: no assertion criteria provided. Collection method: clinical testing. Allele origin: germline. Not counted in ClinVar's aggregate classification.
Comment: This variant is classified as likely benign based on ACMG/AMP sequence variant interpretation guidelines (Richards et al. 2015 PMID: 25741868, with internal and published modifications).

NM_001059.3(TACR3):c.1246A>T (p.Asn416Tyr)

Genes: TACR3 (tachykinin receptor 3; minus strand), TACR3-AS1 (TACR3 antisense RNA 1; plus strand). Cytogenetic location: 4q24.
Variant type: single nucleotide variant.
Coding change: c.1246A>T on transcript NM_001059.3 (MANE Select); coding-DNA position 1246, A replaced by T.
Protein change: p.Asn416Tyr; replaces asparagine 416 with tyrosine.
Molecular consequence: missense variant.
Genome position (GRCh38, 1-based): chr4:103,589,834, T>A on the plus strand (A>T on the coding strand, the complement: TACR3 is on the minus strand). VCF-style: chr4-103589834-T-A. GRCh37 (hg19) VCF-style: chr4-104510991-T-A.
Other names: short protein forms N416Y.
Identifiers: ClinVar variation 347107 (VCV000347107.46), dbSNP rs143073792, ClinGen allele CA3030923.